The following is an entry in ClinVar:

NM_000719.7(CACNA1C):c.5201del (p.Gly1734fs)

Genes: CACNA1C-AS1 (CACNA1C antisense RNA 1; minus strand), CACNA1C (calcium voltage-gated channel subunit alpha1 C; plus strand). Cytogenetic location: 12p13.33.
Variant type: Deletion.
Coding change: c.5201del on transcript NM_000719.7 (MANE Select); coding-DNA position 5201, one base deleted (G; older notation c.5201delG).
Protein change: p.Gly1734fs; shifts the reading frame from glycine 1734.
Molecular consequence: frameshift variant.
Genome position (GRCh38, 1-based): chr12:2,679,553, G deleted; the last of 3 consecutive G bases (chr12:2,679,551-2,679,553); deleting any one gives the same sequence. VCF-style (leftmost placement, unchanged base first): chr12-2679550-CG-C. GRCh37 (hg19) VCF-style: chr12-2788716-CG-C.
Other names: c.5345del, p.Gly1782fs (NM_001129827.2, NM_199460.4); c.5324del, p.Gly1775fs (NM_001129829.2); c.5201del, p.Gly1734fs (NM_001129830.3, NM_001129840.2, NM_001129841.2 and 4 more transcripts); c.5285del, p.Gly1762fs (NM_001129831.2); c.5261del, p.Gly1754fs (NM_001129832.2); c.5258del, p.Gly1753fs (NM_001129833.2, NM_001129834.2, NM_001129835.2); c.5252del, p.Gly1751fs (NM_001129836.2); c.5225del, p.Gly1742fs (NM_001129837.2, NM_001129838.2); and 3 more; short protein forms G1734fs, G1754fs, G1762fs, G1740fs, G1742fs, G1782fs, G1723fs, G1751fs.
Identifiers: ClinVar variation 503754 (VCV000503754.2), dbSNP rs1556105540, ClinGen allele CA658797835.

ClinVar aggregate classification (germline): Uncertain significance (1 of 4 stars; one submission).

Submission:

GeneDx
Classification: Uncertain significance. Last evaluated: 2018-01-15. Review status: criteria provided, single submitter. Criteria: GeneDx Variant Classification (06012015). Collection method: clinical testing. Allele origin: germline. Affected: yes.
Comment: A variant of uncertain significance has been identified in the CACNA1C gene. The c.5201delG variant has not been published as a pathogenic variant, nor has it been reported as a benign variant to our knowledge. The c.5201delG variant is not observed in large population cohorts (Lek et al., 2016). The c.5201delG variant causes a frameshift starting with codon Glycine 1734, changes this amino acid to an Alanine residue and creates a premature Stop codon at position 106 of the new reading frame, denoted p.Gly1734AlafsX106. This variant is predicted to cause loss of normal protein function either through protein truncation or nonsense-mediated mRNA decay. However, other frameshift variants have not been reported in the Human Gene Mutation Database in association with with CACNA1C-related disorders (Stenson et al., 2014). Based on the currently available information, it is unclear whether this variant is a pathogenic variant or a rare benign variant.